The following is an entry in ClinVar:

ClinVar aggregate classification (germline): Conflicting classifications of pathogenicity. Review status: criteria provided, conflicting classifications (1 of 4 stars). 4 submissions from 4 submitters: Uncertain significance (1); Likely benign (2). 1 of the submissions does not count toward it. Last evaluated 2026-01-09.

Conditions:
TRIM32-related disorder. Also called: TRIM32-related condition.
Bardet-Biedl syndrome (BBS). Identifiers: Orphanet 110, MedGen C0752166, MONDO:0015229.

Allele frequency attached by ClinVar (database versions not stated): 1000 Genomes Project 0.00020; 1000 Genomes Project 30x 0.00031; gnomAD exomes 0.00002; TOPMed 0.00002.
gnomAD v4.1: 20 of 1,614,170 alleles (0.0012%); highest among the groups gnomAD compares: Middle Eastern, 0.016%; no homozygotes.

Submissions (4):

Labcorp Genetics (formerly Invitae), Labcorp
Classification: Likely benign for Bardet-Biedl syndrome. Last evaluated: 2026-01-09. Review status: criteria provided, single submitter. Criteria: Invitae Variant Classification Sherloc (09022015). Collection method: clinical testing. Allele origin: germline.

Blueprint Genetics
Classification: Likely benign. Last evaluated: 2024-03-01. Review status: criteria provided, single submitter. Criteria: ACMG Guidelines, 2015. Collection method: clinical testing. Allele origin: germline.

Eurofins Ntd Llc (ga)
Classification: Uncertain significance. Last evaluated: 2017-05-04. Review status: criteria provided, single submitter. Criteria: EGL Classification Definitions 2015. Collection method: clinical testing. Allele origin: germline. Observed: 1 variant allele, 1 heterozygote.

PreventionGenetics, part of Exact Sciences
Classification: Likely benign for TRIM32-related condition. Last evaluated: 2022-09-02. Review status: no assertion criteria provided. Collection method: clinical testing. Allele origin: germline. Not counted in ClinVar's aggregate classification.
Comment: This variant is classified as likely benign based on ACMG/AMP sequence variant interpretation guidelines (Richards et al. 2015 PMID: 25741868, with internal and published modifications).

NM_012210.4(TRIM32):c.1530A>G (p.Leu510=)

Genes: ASTN2 (astrotactin 2; minus strand), TRIM32 (tripartite motif containing 32; plus strand). Cytogenetic location: 9q33.1.
Variant type: single nucleotide variant.
Coding change: c.1530A>G on transcript NM_012210.4 (MANE Select); coding-DNA position 1530, A replaced by G.
Protein change: p.Leu510=; no amino-acid change (leucine 510 retained).
Molecular consequence: synonymous variant. On other transcripts: intron variant (3).
Genome position (GRCh38, 1-based): chr9:116,699,272, A>G. VCF-style: chr9-116699272-A-G. GRCh37 (hg19) VCF-style: chr9-119461551-A-G.
Other names: c.1530A>G, p.Leu510= (NM_001099679.2, NM_001379048.1, NM_001379049.1 and 1 more transcripts); c.2653+26499T>C (NM_014010.5); c.2794+26499T>C (NM_001365069.1); c.2806+26499T>C (NM_001365068.1).
Identifiers: ClinVar variation 501785 (VCV000501785.16), dbSNP rs145728860, ClinGen allele CA5211165.
Genomic context (GRCh38, chr9:116,699,272, plus strand): 5'-TGGAAAGCTTTGGTGTTTCACAGTTGATCGAGGATCAGGGGTGGTCAAATACAGCTGCCT[A>G]TGTAGTGCTGTGCGGCCCAAATTTGTCACCTGTGATGCTGAGGGCACCGTCTACTTCACC-3'
Protein context (NP_036342.2, residues 500-520): RGSGVVKYSC[Leu510=]CSAVRPKFVT